The following is an entry in ClinVar:

NM_178565.5(RSPO2):c.357G>A (p.Leu119=)

Gene: RSPO2 (R-spondin 2; minus strand). Cytogenetic location: 8q23.1.
Variant type: single nucleotide variant.
Coding change: c.357G>A on transcript NM_178565.5 (MANE Select); coding-DNA position 357, G replaced by A.
Protein change: p.Leu119=; no amino-acid change (leucine 119 retained).
Molecular consequence: synonymous variant.
Genome position (GRCh38, 1-based): chr8:107,960,744, C>T on the plus strand (G>A on the coding strand, the complement: RSPO2 is on the minus strand). VCF-style: chr8-107960744-C-T. GRCh37 (hg19) VCF-style: chr8-108972972-C-T.
Other names: c.168G>A, p.Leu56= (NM_001282863.2); c.156G>A, p.Leu52= (NM_001317942.2).
Identifiers: ClinVar variation 2658746 (VCV002658746.24), dbSNP rs780437559, ClinGen allele CA4841601.

ClinVar aggregate classification (germline): Likely benign (1 of 4 stars; one submission).

Allele frequency attached by ClinVar (database versions not stated): gnomAD exomes 0.00001; ExAC 0.00002; TOPMed 0.00002.
gnomAD v4.1: 3 of 1,613,256 alleles (0.00019%); highest among the groups gnomAD compares: East Asian, 0.0045%; no homozygotes.

Submission:

CeGaT Center for Human Genetics Tuebingen
Classification: Likely benign. Last evaluated: 2023-11-01. Review status: criteria provided, single submitter. Criteria: CeGaT Center For Human Genetics Tuebingen Variant Classification Criteria Version 2. Collection method: clinical testing. Allele origin: germline. Affected: yes. Observed: 1 variant allele.
Comment: RSPO2: PM2:Supporting, BP4, BP7